The following is an entry in ClinVar:

ClinVar aggregate classification (germline): Uncertain significance. Review status: criteria provided, multiple submitters, no conflicts (2 of 4 stars). 2 submissions from 2 submitters: Uncertain significance (2). Last evaluated 2025-11-17.

Conditions:
Pancreatic adenocarcinoma. Identifiers: MedGen C0281361, MONDO:0006047, HP:0006725.

Allele frequency attached by ClinVar (database versions not stated): gnomAD exomes 0.00002 and 0.00005; ExAC 0.00003; gnomAD 0.00007 and 0.00009; TOPMed 0.00011; ESP Exome Variant Server 0.00023.
gnomAD v4.1: 36 of 1,613,914 alleles (0.0022%); highest among the groups gnomAD compares: African/African-American, 0.047%; no homozygotes.

Submissions (3):

Labcorp Genetics (formerly Invitae), Labcorp
Classification: Uncertain significance for Pancreatic adenocarcinoma. Last evaluated: 2025-11-17. Review status: criteria provided, single submitter. Criteria: Invitae Variant Classification Sherloc (09022015). Collection method: clinical testing. Allele origin: germline.
Comment: This sequence change replaces glycine, which is neutral and non-polar, with arginine, which is basic and polar, at codon 169 of the PALLD protein (p.Gly169Arg). This variant is present in population databases (rs149631023, gnomAD 0.07%), and has an allele count higher than expected for a pathogenic variant. This variant has not been reported in the literature in individuals affected with PALLD-related conditions. ClinVar contains an entry for this variant (Variation ID: 950324). An algorithm developed to predict the effect of missense changes on protein structure and function (PolyPhen-2) suggests that this variant is likely to be tolerated. Algorithms developed to predict the effect of sequence changes on RNA splicing suggest that this variant may create or strengthen a splice site. In summary, the available evidence is currently insufficient to determine the role of this variant in disease. Therefore, it has been classified as a Variant of Uncertain Significance.

Ambry Genetics
Classification: Uncertain significance. Last evaluated: 2025-01-10. Review status: criteria provided, single submitter. Criteria: Ambry Variant Classification Scheme 2023. Collection method: clinical testing. Allele origin: germline.

Dr. Peter K. Rogan Lab, Western University
No classification provided (evidence only). Condition: Clear cell carcinoma of kidney. Review status: no classification provided. Collection method: in vitro. Allele origin: not applicable. Functional consequence: retained intron. Not counted in ClinVar's aggregate classification.

NM_001166108.2(PALLD):c.1966G>A (p.Gly656Arg)

Gene: PALLD (palladin, cytoskeletal associated protein; plus strand). Cytogenetic location: 4q32.3.
Variant type: single nucleotide variant.
Coding change: c.1966G>A on transcript NM_001166108.2 (MANE Select); coding-DNA position 1966, G replaced by A.
Protein change: p.Gly656Arg; replaces glycine 656 with arginine.
Molecular consequence: missense variant. On other transcripts: 5 prime UTR variant (4).
Genome position (GRCh38, 1-based): chr4:168,890,923, G>A. VCF-style: chr4-168890923-G-A. GRCh37 (hg19) VCF-style: chr4-169812074-G-A.
Other names: c.820G>A, p.Gly274Arg (NM_001166109.2); c.505G>A, p.Gly169Arg (NM_001166110.2); c.-156G>A (NM_001367567.1, NM_001367568.1, NM_001367569.1 and 1 more transcripts); c.1966G>A, p.Gly656Arg (NM_016081.4); short protein forms G274R, G656R, G169R.
Identifiers: ClinVar variation 950324 (VCV000950324.12), dbSNP rs149631023, ClinGen allele CA3135797.